The following is an entry in ClinVar:

ClinVar aggregate classification (germline): Uncertain significance. Review status: criteria provided, multiple submitters, no conflicts (2 of 4 stars). 2 submissions from 2 submitters: Uncertain significance (2). Last evaluated 2026-06-29.

Conditions:
CC2D2A-related disorder. Also called: CC2D2A-related condition; CC2D2A-related disorders. Identifiers: MedGen CN239313.
Inborn genetic diseases. Identifiers: MedGen C0950123, MeSH D030342.

gnomAD v4.1: 3 of 1,613,820 alleles (0.00019%); highest among the groups gnomAD compares: African/African-American, 0.004%; no homozygotes.

Submissions (2):

PreventionGenetics, part of Exact Sciences
Classification: Uncertain significance for CC2D2A-related condition. Last evaluated: 2026-06-29. Review status: criteria provided, single submitter. Criteria: ACMG Guidelines, 2015. Collection method: clinical testing. Allele origin: germline.
Comment: The CC2D2A c.809C>T variant is predicted to result in the amino acid substitution p.Ala270Val. To our knowledge, this variant has not been reported in the literature. This variant is reported in 0.0065% of alleles in individuals of African descent in gnomAD. At this time, the clinical significance of this variant is uncertain due to the absence of conclusive functional and genetic evidence.

Ambry Genetics
Classification: Uncertain significance for Inborn genetic diseases. Last evaluated: 2025-11-13. Review status: criteria provided, single submitter. Criteria: Ambry Variant Classification Scheme 2023. Collection method: clinical testing. Allele origin: germline.

NM_001378615.1(CC2D2A):c.809C>T (p.Ala270Val)

Genes: FBXL5 (F-box and leucine rich repeat protein 5; minus strand), CC2D2A (coiled-coil and C2 domain containing 2A; plus strand). Cytogenetic location: 4p15.32.
Variant type: single nucleotide variant.
Coding change: c.809C>T on transcript NM_001378615.1 (MANE Select); coding-DNA position 809, C replaced by T.
Protein change: p.Ala270Val; replaces alanine 270 with valine.
Molecular consequence: missense variant.
Genome position (GRCh38, 1-based): chr4:15,514,798, C>T. VCF-style: chr4-15514798-C-T. GRCh37 (hg19) VCF-style: chr4-15516421-C-T.
Other names: c.809C>T, p.Ala270Val (NM_001080522.2); c.662C>T, p.Ala221Val (NM_001378617.1); short protein forms A221V, A270V.
Identifiers: ClinVar variation 4606664 (VCV004606664.2).